The following is an entry in ClinVar:

ClinVar aggregate classification (germline): Uncertain significance (1 of 4 stars; one submission).

Conditions:
Developmental and epileptic encephalopathy, 54. Also called: Epileptic encephalopathy, early infantile, 54; HNRNPU-Related Neurodevelopmental Disorder. Identifiers: MedGen C4479319, MONDO:0033363, OMIM 617391.

gnomAD v4.1: 4 of 1,613,410 alleles (0.00025%); highest among the groups gnomAD compares: Non-Finnish European, 0.00034%; no homozygotes.

Submission:

Labcorp Genetics (formerly Invitae), Labcorp
Classification: Uncertain significance for Developmental and epileptic encephalopathy, 54. Last evaluated: 2024-12-13. Review status: criteria provided, single submitter. Criteria: Invitae Variant Classification Sherloc (09022015). Collection method: clinical testing. Allele origin: germline.
Comment: This sequence change replaces glycine, which is neutral and non-polar, with aspartic acid, which is acidic and polar, at codon 801 of the HNRNPU protein (p.Gly801Asp). This variant is present in population databases (rs556510132, gnomAD 0.0009%). This variant has not been reported in the literature in individuals affected with HNRNPU-related conditions. Invitae Evidence Modeling of protein sequence and biophysical properties (such as structural, functional, and spatial information, amino acid conservation, physicochemical variation, residue mobility, and thermodynamic stability) indicates that this missense variant is not expected to disrupt HNRNPU protein function with a negative predictive value of 95%. In summary, the available evidence is currently insufficient to determine the role of this variant in disease. Therefore, it has been classified as a Variant of Uncertain Significance.

NM_031844.3(HNRNPU):c.2402G>A (p.Gly801Asp)

Gene: HNRNPU (heterogeneous nuclear ribonucleoprotein U; minus strand). Cytogenetic location: 1q44.
Variant type: single nucleotide variant.
Coding change: c.2402G>A on transcript NM_031844.3 (MANE Select); coding-DNA position 2402, G replaced by A.
Protein change: p.Gly801Asp; replaces glycine 801 with aspartic acid.
Molecular consequence: missense variant.
Genome position (GRCh38, 1-based): chr1:244,854,995, C>T on the plus strand (G>A on the coding strand, the complement: HNRNPU is on the minus strand). VCF-style: chr1-244854995-C-T. GRCh37 (hg19) VCF-style: chr1-245018297-C-T.
Other names: c.2345G>A, p.Gly782Asp (NM_004501.3); short protein forms G782D, G801D.
Identifiers: ClinVar variation 3621166 (VCV003621166.2).
Genomic context (GRCh38, chr1:244,854,995, plus strand): 5'-ACAATTAATGTACATAAAGCACATAAGAAATTACTTACACCCTGCTGCCACTGGTTGTAG[C>T]CCTGAGATTGATTTTTGTAGCCACGATTGTTTCCTCGTCCTCTGAAGTTCTACAAAAAGG-3'
Protein context (NP_114032.2, residues 791-811): NNRGYKNQSQ[Gly801Asp]YNQWQQGQFW